The following is an entry in ClinVar:

NM_000548.5(TSC2):c.3192C>A (p.Asn1064Lys)

Gene: TSC2 (TSC complex subunit 2; plus strand). Cytogenetic location: 16p13.3.
Variant type: single nucleotide variant.
Coding change: c.3192C>A on transcript NM_000548.5 (MANE Select); coding-DNA position 3192, C replaced by A.
Protein change: p.Asn1064Lys; replaces asparagine 1064 with lysine.
Molecular consequence: missense variant.
Genome position (GRCh38, 1-based): chr16:2,079,336, C>A. VCF-style: chr16-2079336-C-A. GRCh37 (hg19) VCF-style: chr16-2129337-C-A.
Other names: c.3060C>A, p.Asn1020Lys (NM_001077183.3, NM_001370404.1); c.3192C>A, p.Asn1064Lys (NM_001114382.3); c.2952C>A, p.Asn984Lys (NM_001318827.2); c.2916C>A, p.Asn972Lys (NM_001318829.2); c.2460C>A, p.Asn820Lys (NM_001318831.2); c.3093C>A, p.Asn1031Lys (NM_001318832.2); c.3063C>A, p.Asn1021Lys (NM_001363528.2, NM_001370405.1, NM_021055.3); short protein forms N1064K, N1031K, N1021K, N1020K, N820K, N972K, N984K.
Identifiers: ClinVar variation 238014 (VCV000238014.25), dbSNP rs201670791, ClinGen allele CA044699.

ClinVar aggregate classification (germline): Conflicting classifications of pathogenicity. Review status: criteria provided, conflicting classifications (1 of 4 stars). 9 submissions from 9 submitters: Uncertain significance (6); Likely benign (3). Last evaluated 2026-01-18.

Conditions:
Hereditary cancer-predisposing syndrome. Also called: Tumor predisposition; Hereditary Cancer Syndrome; Hereditary neoplastic syndrome; Neoplastic Syndromes, Hereditary. Identifiers: Orphanet 140162, MedGen C0027672, MeSH D009386, MONDO:0015356.
Tuberous sclerosis syndrome (TSC). Also called: Tuberous Sclerosis Complex; Tuberous sclerosis. Identifiers: Orphanet 805, MedGen C0041341, MONDO:0001734.
Tuberous sclerosis 2 (TSC2). Identifiers: Orphanet 805, MedGen C1860707, MONDO:0013199, OMIM 613254.

Allele frequency attached by ClinVar (database versions not stated): ExAC 0.00001; TOPMed 0.00003; gnomAD 0.00004 and 0.00005; 1000 Genomes Project 30x 0.00016; 1000 Genomes Project 0.00020.
gnomAD v4.1: 13 of 1,613,026 alleles (0.00081%); highest among the groups gnomAD compares: African/African-American, 0.013%; no homozygotes.

Submissions (9):

Labcorp Genetics (formerly Invitae), Labcorp
Classification: Likely benign for Tuberous sclerosis 2. Last evaluated: 2026-01-18. Review status: criteria provided, single submitter. Criteria: Invitae Variant Classification Sherloc (09022015). Collection method: clinical testing. Allele origin: germline.

All of Us Research Program, National Institutes of Health
Classification: Uncertain significance for Tuberous sclerosis syndrome. Last evaluated: 2024-09-23. Review status: criteria provided, single submitter. Criteria: ACMG Guidelines, 2015. Collection method: clinical testing. Allele origin: germline. Inheritance: Autosomal dominant inheritance. Observed: 2 variant alleles, 2 heterozygotes.
Comment: This missense variant replaces asparagine with lysine at codon 1064 of the TSC2 protein. Computational prediction is inconclusive regarding the impact of this variant on protein structure and function (internally defined REVEL score threshold 0.5 < inconclusive < 0.7, PMID: 27666373). To our knowledge, functional studies have not been reported for this variant. This variant has not been reported in individuals affected with TSC2-related disorders in the literature. This variant has been identified in 5/281718 chromosomes in the general population by the Genome Aggregation Database (gnomAD). The available evidence is insufficient to determine the role of this variant in disease conclusively. Therefore, this variant is classified as a Variant of Uncertain Significance.

This study involves interpretation of variants in research participants for the purpose of population health screening. Participant phenotype was not available at the time of variant classification. Additional details can be found in publication PMID: 35346344, PMCID: PMC8962531

Myriad Genetics, Inc.
Classification: Likely benign for Tuberous sclerosis 2. Last evaluated: 2024-08-16. Review status: criteria provided, single submitter. Criteria: Myriad Autosomal Dominant, Autosomal Recessive and X-Linked Classification Criteria (2023). Collection method: clinical testing. Allele origin: unknown.
Comment: This variant is considered likely benign. This variant has been observed at a population frequency that is significantly greater than expected given the associated disease prevalence and penetrance.

Ambry Genetics
Classification: Uncertain significance for Hereditary cancer-predisposing syndrome. Last evaluated: 2024-03-30. Review status: criteria provided, single submitter. Criteria: Ambry Variant Classification Scheme 2023. Collection method: clinical testing. Allele origin: germline.
Comment: The p.N1064K variant (also known as c.3192C>A), located in coding exon 27 of the TSC2 gene, results from a C to A substitution at nucleotide position 3192. The asparagine at codon 1064 is replaced by lysine, an amino acid with similar properties. This amino acid position is highly conserved in available vertebrate species. In addition, the in silico prediction for this alteration is inconclusive. Since supporting evidence is limited at this time, the clinical significance of this alteration remains unclear.

Color Diagnostics, LLC DBA Color Health
Classification: Uncertain significance for Tuberous sclerosis syndrome. Last evaluated: 2024-03-06. Review status: criteria provided, single submitter. Criteria: ACMG Guidelines, 2015. Collection method: clinical testing. Allele origin: germline.
Comment: This missense variant replaces asparagine with lysine at codon 1064 of the TSC2 protein. Computational prediction is inconclusive regarding the impact of this variant on protein structure and function. To our knowledge, functional studies have not been reported for this variant. This variant has not been reported in individuals affected with TSC2-related disorders in the literature. This variant has been identified in 5/281718 chromosomes in the general population by the Genome Aggregation Database (gnomAD). The available evidence is insufficient to determine the role of this variant in disease conclusively. Therefore, this variant is classified as a Variant of Uncertain Significance.

GeneDx
Classification: Uncertain significance. Last evaluated: 2021-12-08. Review status: criteria provided, single submitter. Criteria: GeneDx Variant Classification Process June 2021. Collection method: clinical testing. Allele origin: germline. Affected: yes.
Comment: In silico analysis supports that this missense variant has a deleterious effect on protein structure/function; Has not been previously published as pathogenic or benign to our knowledge

Genome-Nilou Lab
Classification: Likely benign for Tuberous sclerosis 2. Last evaluated: 2021-11-07. Review status: criteria provided, single submitter. Criteria: ACMG Guidelines, 2015. Collection method: clinical testing. Allele origin: germline. Affected: no.

Sema4
Classification: Uncertain significance for Hereditary cancer-predisposing syndrome. Last evaluated: 2021-09-25. Review status: criteria provided, single submitter. Criteria: Sema4 Curation Guidelines. Collection method: curation. Allele origin: germline.
Comment: The TSC2 c.3192C>A (p.N1064K) variant has not been reported in the literature to our knowledge. It was observed in 3/24864 chromosomes of the African/African American subpopulation in the large and broad cohorts of the Genome Aggregation Database (PMID: 32461654). The variant has been reported in ClinVar (Variation ID 238014). Functional studies have not been performed, and in silico predictions of the variant's effect on protein function are inconclusive. The evidence is insufficient to meet ACMG/AMP criteria for classifying the variant as benign or pathogenic. Thus, the clinical significance of this variant is currently uncertain.

Eurofins Ntd Llc (ga)
Classification: Uncertain significance. Last evaluated: 2018-08-13. Review status: criteria provided, single submitter. Criteria: EGL ClinVar v180209 classification definitions. Collection method: clinical testing. Allele origin: germline. Observed: 1 variant allele, 1 heterozygote.